The following is an entry in ClinVar:

NM_024580.6(EFL1):c.2839G>C (p.Glu947Gln)

Gene: EFL1 (elongation factor like GTPase 1; minus strand). Cytogenetic location: 15q25.2.
Variant type: single nucleotide variant.
Coding change: c.2839G>C on transcript NM_024580.6 (MANE Select); coding-DNA position 2839, G replaced by C.
Protein change: p.Glu947Gln; replaces glutamic acid 947 with glutamine.
Molecular consequence: missense variant. On other transcripts: non-coding transcript variant (1).
Genome position (GRCh38, 1-based): chr15:82,151,615, C>G on the plus strand (G>C on the coding strand, the complement: EFL1 is on the minus strand). VCF-style: chr15-82151615-C-G. GRCh37 (hg19) VCF-style: chr15-82443956-C-G.
Other names: c.2686G>C, p.Glu896Gln (NM_001040610.3); c.2050G>C, p.Glu684Gln (NM_001322844.2); c.2839G>C, p.Glu947Gln (NM_001322845.2); short protein forms E684Q, E947Q, E896Q.
Identifiers: ClinVar variation 1478729 (VCV001478729.8), dbSNP rs1024438888, ClinGen allele CA273470610.

ClinVar aggregate classification (germline): Uncertain significance (1 of 4 stars; one submission).

Allele frequency attached by ClinVar (database versions not stated): gnomAD exomes below 0.00001; TOPMed below 0.00001; gnomAD 0.00001.
gnomAD v4.1: 3 of 1,614,018 alleles (0.00019%); highest among the groups gnomAD compares: Admixed American, 0.005%; no homozygotes.

Submission:

Labcorp Genetics (formerly Invitae), Labcorp
Classification: Uncertain significance. Last evaluated: 2020-12-09. Review status: criteria provided, single submitter. Criteria: Invitae Variant Classification Sherloc (09022015). Collection method: clinical testing. Allele origin: germline.
Comment: This sequence change replaces glutamic acid with glutamine at codon 947 of the EFL1 protein (p.Glu947Gln). The glutamic acid residue is moderately conserved and there is a small physicochemical difference between glutamic acid and glutamine. This variant is not present in population databases (ExAC no frequency). In summary, the available evidence is currently insufficient to determine the role of this variant in disease. Therefore, it has been classified as a Variant of Uncertain Significance. Algorithms developed to predict the effect of missense changes on protein structure and function (SIFT, PolyPhen-2, Align-GVGD) all suggest that this variant is likely to be tolerated, but these predictions have not been confirmed by published functional studies and their clinical significance is uncertain. This variant has not been reported in the literature in individuals with EFL1-related conditions.